The following is an entry in ClinVar:

NM_201253.3(CRB1):c.2252T>A (p.Leu751Ter)

Gene: CRB1 (crumbs cell polarity complex component 1; plus strand). Cytogenetic location: 1q31.3.
Variant type: single nucleotide variant.
Coding change: c.2252T>A on transcript NM_201253.3 (MANE Select); coding-DNA position 2252, T replaced by A.
Protein change: p.Leu751Ter; replaces leucine 751 with a stop codon.
Molecular consequence: nonsense. On other transcripts: non-coding transcript variant (2), intron variant (1).
Genome position (GRCh38, 1-based): chr1:197,427,577, T>A. VCF-style: chr1-197427577-T-A. GRCh37 (hg19) VCF-style: chr1-197396707-T-A.
Other names: c.2252T>A (NM_201253.2); c.1916T>A, p.Leu639Ter (NM_001193640.2); c.2045T>A, p.Leu682Ter (NM_001257965.2); c.2128+5621T>A (NM_001257966.2); short protein forms L682*, L751*, L639*.
Identifiers: ClinVar variation 1451950 (VCV001451950.12), dbSNP rs1409490389, ClinGen allele CA344036819.

ClinVar aggregate classification (germline): Pathogenic/Likely pathogenic. Review status: criteria provided, multiple submitters, no conflicts (2 of 4 stars). 5 submissions from 5 submitters: Pathogenic (1); Likely pathogenic (4). Last evaluated 2026-01-19.

Conditions:
Leber congenital amaurosis 8 (LCA8). Identifiers: Orphanet 65, MedGen C3151202, MONDO:0013453, OMIM 613835.
Retinitis pigmentosa 12 (RP12). Also called: RP WITH OR WITHOUT PPRPE; RP WITH OR WITHOUT PRESERVED PARAARTERIOLE RETINAL PIGMENT EPITHELIUM; RETINITIS PIGMENTOSA WITH OR WITHOUT PARAARTERIOLAR PRESERVATION OF RETINAL PIGMENT EPITHELIUM. Identifiers: Orphanet 791, MedGen C1838647, MONDO:0010818, OMIM 600105.
Pigmented paravenous retinochoroidal atrophy. Identifiers: Orphanet 251295, MedGen C1868310, MONDO:0008246, OMIM 172870.
Leber congenital amaurosis (LCA). Also called: Leber's amaurosis. Identifiers: Orphanet 65, MedGen C0339527, MeSH D057130, MONDO:0018998.
CRB1-related disorder. Also called: CRB1-related disorders; CRB1-related condition.

Allele frequency attached by ClinVar (database versions not stated): gnomAD exomes below 0.00001; TOPMed 0.00002; gnomAD 0.00003.
gnomAD v4.1: 10 of 1,613,898 alleles (0.00062%); highest among the groups gnomAD compares: South Asian, 0.0011%; no homozygotes.

Submissions (5):

Labcorp Genetics (formerly Invitae), Labcorp
Classification: Pathogenic for Leber congenital amaurosis 8; Retinitis pigmentosa 12. Last evaluated: 2026-01-19. Review status: criteria provided, single submitter. Criteria: Invitae Variant Classification Sherloc (09022015). Collection method: clinical testing. Allele origin: germline.
Comment: This sequence change creates a premature translational stop signal (p.Leu751*) in the CRB1 gene. It is expected to result in an absent or disrupted protein product. Loss-of-function variants in CRB1 are known to be pathogenic (PMID: 10508521, 22065545, 23379534, 25412400, 26957898, 28041643, 29391521). This variant is present in population databases (no rsID available, gnomAD 0.007%). This premature translational stop signal has been observed in individual(s) with Leber congenital amaurosis (PMID: 17964524). ClinVar contains an entry for this variant (Variation ID: 1451950). For these reasons, this variant has been classified as Pathogenic.

Natera, Inc.
Classification: Likely pathogenic for Leber congenital amaurosis. Last evaluated: 2025-04-11. Review status: criteria provided, single submitter. Criteria: Natera Variant Classification Schema (03/2026). Collection method: clinical testing. Allele origin: germline.
Comment: The c.2252T>A variant in CRB1 is a nonsense variant predicted to introduce a stop codon at amino acid 751. This variant is expected to result in nonsense mediated decay, truncation, or a dysfunctional protein product. This variant is rare in the general population with a frequency below the threshold expected for the associated phenotype(s). Given the available evidence, this variant is classified as Likely Pathogenic.

Fulgent Genetics
Classification: Likely pathogenic for Pigmented paravenous retinochoroidal atrophy; Retinitis pigmentosa 12; Leber congenital amaurosis 8. Last evaluated: 2024-06-14. Review status: criteria provided, single submitter. Criteria: ACMG Guidelines, 2015. Collection method: clinical testing. Allele origin: germline.

Baylor Genetics
Classification: Likely pathogenic for Leber congenital amaurosis 8. Last evaluated: 2023-05-17. Review status: criteria provided, single submitter. Criteria: ACMG Guidelines, 2015. Collection method: clinical testing. Allele origin: unknown.

Blueprint Genetics
Classification: Likely pathogenic for CRB1-related disorders. Last evaluated: 2020-04-14. Review status: criteria provided, single submitter. Criteria: ACMG Guidelines, 2015. Collection method: clinical testing. Allele origin: germline. Affected: yes. Observed: 2 variant alleles.

Literature cited by the submitters: PubMed 10508521 (cited by Labcorp Genetics (formerly Invitae), Labcorp); PubMed 22065545 (cited by Labcorp Genetics (formerly Invitae), Labcorp); PubMed 23379534 (cited by Labcorp Genetics (formerly Invitae), Labcorp); PubMed 25412400 (cited by Labcorp Genetics (formerly Invitae), Labcorp); PubMed 26957898 (cited by Labcorp Genetics (formerly Invitae), Labcorp); PubMed 28041643 (cited by Labcorp Genetics (formerly Invitae), Labcorp); PubMed 29391521 (cited by Labcorp Genetics (formerly Invitae), Labcorp); PubMed 17964524 (cited by Labcorp Genetics (formerly Invitae), Labcorp).